The following is an entry in ClinVar:

ClinVar aggregate classification (germline): Uncertain significance (1 of 4 stars; one submission).

gnomAD v4.1: 4 of 1,613,578 alleles (0.00025%); highest among the groups gnomAD compares: Non-Finnish European, 0.00034%; no homozygotes.

Submission:

Labcorp Genetics (formerly Invitae), Labcorp
Classification: Uncertain significance. Last evaluated: 2022-04-11. Review status: criteria provided, single submitter. Criteria: Invitae Variant Classification Sherloc (09022015). Collection method: clinical testing. Allele origin: germline.
Comment: In summary, the available evidence is currently insufficient to determine the role of this variant in disease. Therefore, it has been classified as a Variant of Uncertain Significance. Algorithms developed to predict the effect of missense changes on protein structure and function (SIFT, PolyPhen-2, Align-GVGD) all suggest that this variant is likely to be tolerated. This variant has not been reported in the literature in individuals affected with LRRC8A-related conditions. This variant is not present in population databases (gnomAD no frequency). This sequence change replaces alanine, which is neutral and non-polar, with glycine, which is neutral and non-polar, at codon 186 of the LRRC8A protein (p.Ala186Gly).

NM_019594.4(LRRC8A):c.557C>G (p.Ala186Gly)

Gene: LRRC8A (leucine rich repeat containing 8 VRAC subunit A; plus strand). Cytogenetic location: 9q34.11.
Variant type: single nucleotide variant.
Coding change: c.557C>G on transcript NM_019594.4 (MANE Select); coding-DNA position 557, C replaced by G.
Protein change: p.Ala186Gly; replaces alanine 186 with glycine.
Molecular consequence: missense variant.
Genome position (GRCh38, 1-based): chr9:128,907,721, C>G. VCF-style: chr9-128907721-C-G. GRCh37 (hg19) VCF-style: chr9-131670000-C-G.
Other names: c.557C>G, p.Ala186Gly (NM_001127244.2, NM_001127245.2); short protein forms A186G.
Identifiers: ClinVar variation 1897649 (VCV001897649.5), dbSNP rs2491866121, ClinGen allele CA375075029.